The following is an entry in ClinVar:

ClinVar aggregate classification (germline): Pathogenic (1 of 4 stars; one submission).

Submission:

Labcorp Genetics (formerly Invitae), Labcorp
Classification: Pathogenic. Last evaluated: 2025-04-22. Review status: criteria provided, single submitter. Criteria: Invitae Variant Classification Sherloc (09022015). Collection method: clinical testing. Allele origin: germline.
Comment: This sequence change creates a premature translational stop signal (p.Tyr349Leufs*13) in the RELA gene. While this is not anticipated to result in nonsense mediated decay, it is expected to disrupt the last 203 amino acid(s) of the RELA protein. This variant is not present in population databases (gnomAD no frequency). This premature translational stop signal has been observed in individual(s) with RELA-related mucocutaneous disease (PMID: 35412596). This variant disrupts a region of the RELA protein in which other variant(s) (p.His487Thrfs*7) have been determined to be pathogenic (PMID: 32969189). This suggests that this is a clinically significant region of the protein, and that variants that disrupt it are likely to be disease-causing. For these reasons, this variant has been classified as Pathogenic.

Literature cited by the submitters: PubMed 35412596; PubMed 32969189.

NM_021975.4(RELA):c.1044dup (p.Tyr349fs)

Gene: RELA (RELA proto-oncogene, NF-kB subunit; minus strand). Cytogenetic location: 11q13.1.
Variant type: Duplication.
Coding change: c.1044dup on transcript NM_021975.4 (MANE Select); coding-DNA position 1044, one base duplicated (C; older notation c.1044dupC).
Protein change: p.Tyr349fs; shifts the reading frame from tyrosine 349.
Molecular consequence: frameshift variant. On other transcripts: intron variant (1).
Genome position (GRCh38, 1-based): chr11:65,654,990, G duplicated on the plus strand (C on the coding strand, the reverse complement: RELA is on the minus strand); the first of 3 consecutive G bases (chr11:65,654,990-65,654,992); duplicating any one gives the same sequence. VCF-style (leftmost placement, unchanged base first): chr11-65654989-A-AG. GRCh37 (hg19) VCF-style: chr11-65422460-A-AG.
Other names: c.1035dup, p.Tyr346fs (NM_001145138.2); c.1044dup, p.Tyr349fs (NM_001243985.2); c.1077dup, p.Tyr360fs (NM_001404657.1); c.1017dup, p.Tyr340fs (NM_001404658.1); c.831dup, p.Tyr278fs (NM_001404659.1); c.726dup, p.Tyr243fs (NM_001404660.1); c.663dup, p.Tyr222fs (NM_001404661.1); c.951dup, p.Tyr318fs (NM_001404662.1, NM_001404663.1); and 1 more; short protein forms Y222fs, Y243fs, Y278fs, Y346fs, Y318fs, Y360fs, Y340fs, Y349fs.
Identifiers: ClinVar variation 4710766 (VCV004710766.1).